The following is an entry in ClinVar:

NM_021815.5(SLC5A7):c.1487A>G (p.Tyr496Cys)

Gene: SLC5A7 (solute carrier family 5 member 7; plus strand). Cytogenetic location: 2q12.3.
Variant type: single nucleotide variant.
Coding change: c.1487A>G on transcript NM_021815.5 (MANE Select); coding-DNA position 1487, A replaced by G.
Protein change: p.Tyr496Cys; replaces tyrosine 496 with cysteine.
Molecular consequence: missense variant.
Genome position (GRCh38, 1-based): chr2:108,010,605, A>G. VCF-style: chr2-108010605-A-G. GRCh37 (hg19) VCF-style: chr2-108627061-A-G.
Other names: p.Tyr496Cys; c.1487A>G, p.Tyr496Cys (NM_001305005.3); c.1172A>G, p.Tyr391Cys (NM_001305006.3); c.746A>G, p.Tyr249Cys (NM_001305007.3); short protein forms Y391C, Y249C, Y496C.
Identifiers: ClinVar variation 1369004 (VCV001369004.14), dbSNP rs1001889637, ClinGen allele CA53969288.
Genomic context (GRCh38, chr2:108,010,605, plus strand): 5'-AATTTCCATTTAAAACACTTGCCATGGTTACATCATTCTTAACCAACATTTGCATCTCCT[A>G]TCTAGCCAAGTATCTATTTGAAAGTGGAACCTTGCCACCTAAATTAGATGTATTTGATGC-3'
Protein context (NP_068587.1, residues 486-506): TSFLTNICIS[Tyr496Cys]LAKYLFESGT

ClinVar aggregate classification (germline): Uncertain significance. Review status: criteria provided, multiple submitters, no conflicts (2 of 4 stars). 3 submissions from 3 submitters: Uncertain significance (3). Last evaluated 2026-01-13.

Conditions:
Neuronopathy, distal hereditary motor, type 7A. Also called: Neuronopathy, distal hereditary motor, type viia; HARPER-YOUNG MYOPATHY; HMN VIIA; SPINAL MUSCULAR ATROPHY, DISTAL, WITH VOCAL CORD PARALYSIS; NEURONOPATHY, DISTAL HEREDITARY MOTOR, HARDING TYPE VIIA; NEUROPATHY, DISTAL HEREDITARY MOTOR, HARDING TYPE VIIA. Identifiers: Orphanet 139589, MedGen C1834703, MONDO:0008024, OMIM 158580.
Congenital myasthenic syndrome 20. Also called: Myasthenic syndrome, congenital, 20, presynaptic. Identifiers: MedGen C4310694, MONDO:0014939, OMIM 617143.
Inborn genetic diseases. Identifiers: MedGen C0950123, MeSH D030342.

Allele frequency attached by ClinVar (database versions not stated): TOPMed 0.00003; gnomAD exomes below 0.00001; gnomAD 0.00002.
gnomAD v4.1: 5 of 1,613,884 alleles (0.00031%); highest among the groups gnomAD compares: Non-Finnish European, 0.00042%; no homozygotes.

Submissions (3):

Labcorp Genetics (formerly Invitae), Labcorp
Classification: Uncertain significance for Neuronopathy, distal hereditary motor, type 7A; Congenital myasthenic syndrome 20. Last evaluated: 2026-01-13. Review status: criteria provided, single submitter. Criteria: Invitae Variant Classification Sherloc (09022015). Collection method: clinical testing. Allele origin: germline.
Comment: This sequence change replaces tyrosine, which is neutral and polar, with cysteine, which is neutral and slightly polar, at codon 496 of the SLC5A7 protein (p.Tyr496Cys). This variant is not present in population databases (gnomAD no frequency). This variant has not been reported in the literature in individuals affected with SLC5A7-related conditions. ClinVar contains an entry for this variant (Variation ID: 1369004). Invitae Evidence Modeling of protein sequence and biophysical properties (such as structural, functional, and spatial information, amino acid conservation, physicochemical variation, residue mobility, and thermodynamic stability) indicates that this missense variant is not expected to disrupt SLC5A7 protein function with a negative predictive value of 80%. In summary, the available evidence is currently insufficient to determine the role of this variant in disease. Therefore, it has been classified as a Variant of Uncertain Significance.

Mayo Clinic Laboratories, Mayo Clinic
Classification: Uncertain significance. Last evaluated: 2021-12-20. Review status: criteria provided, single submitter. Criteria: ACMG Guidelines, 2015. Collection method: clinical testing. Allele origin: germline. Observed: 1 variant allele.
Comment: PM2

Ambry Genetics
Classification: Uncertain significance for Inborn genetic diseases. Last evaluated: 2021-02-04. Review status: criteria provided, single submitter. Criteria: Ambry Variant Classification Scheme 2023. Collection method: clinical testing. Allele origin: germline.
Comment: The p.Y496C variant (also known as c.1487A>G), located in coding exon 8 of the SLC5A7 gene, results from an A to G substitution at nucleotide position 1487. The tyrosine at codon 496 is replaced by cysteine, an amino acid with highly dissimilar properties. This amino acid position is well conserved in available vertebrate species. In addition, this alteration is predicted to be deleterious by in silico analysis. Since supporting evidence is limited at this time, the clinical significance of this alteration remains unclear.